The following is an entry in ClinVar:

ClinVar aggregate classification (germline): Conflicting classifications of pathogenicity. Review status: criteria provided, conflicting classifications (1 of 4 stars). 3 submissions from 3 submitters: Likely pathogenic (1); Uncertain significance (1). 1 of the submissions does not count toward it. Last evaluated 2023-10-26.

Conditions:
Mucopolysaccharidosis type 1. Also called: IDUA deficiency; MPS I; Mucopolysaccharidosis Type I. Identifiers: Orphanet 579, MedGen C0023786, MONDO:0001586.
Hurler syndrome. Also called: MUCOPOLYSACCHARIDOSIS TYPE IH; Severe MPS I (Hurler Syndrome); Gargoylism, Hurler Syndrome. Identifiers: Orphanet 93473, MedGen C0086795, MONDO:0011758, OMIM 607014.

Submissions (3):

Labcorp Genetics (formerly Invitae), Labcorp
Classification: Likely pathogenic for Mucopolysaccharidosis type 1. Last evaluated: 2023-10-26. Review status: criteria provided, single submitter. Criteria: Invitae Variant Classification Sherloc (09022015). Collection method: clinical testing. Allele origin: germline.
Comment: This sequence change replaces tryptophan, which is neutral and slightly polar, with arginine, which is basic and polar, at codon 175 of the IDUA protein (p.Trp175Arg). This variant is not present in population databases (gnomAD no frequency). This missense change has been observed in individual(s) with clinical features of mucopolysaccharidosis type 1 (PMID: 28844463). ClinVar contains an entry for this variant (Variation ID: 226412). Advanced modeling of protein sequence and biophysical properties (such as structural, functional, and spatial information, amino acid conservation, physicochemical variation, residue mobility, and thermodynamic stability) performed at Invitae indicates that this missense variant is expected to disrupt IDUA protein function with a positive predictive value of 95%. In summary, the currently available evidence indicates that the variant is pathogenic, but additional data are needed to prove that conclusively. Therefore, this variant has been classified as Likely Pathogenic.

Revvity Omics, Revvity
Classification: Uncertain significance. Last evaluated: 2022-04-06. Review status: criteria provided, single submitter. Criteria: ACMG Guidelines, 2015. Collection method: clinical testing. Allele origin: germline.

Genomic Research Center, Shahid Beheshti University of Medical Sciences
Classification: Likely pathogenic for Hurler syndrome. Last evaluated: 2016-05-09. Review status: no assertion criteria provided. Collection method: clinical testing. Allele origin: germline. Affected: yes. Observed: 1 variant allele. Not counted in ClinVar's aggregate classification.

Literature cited by the submitters: PubMed 28844463 (cited by Labcorp Genetics (formerly Invitae), Labcorp).

NM_000203.5(IDUA):c.523T>C (p.Trp175Arg)

Gene: IDUA (alpha-L-iduronidase; plus strand). Cytogenetic location: 4p16.3.
Variant type: single nucleotide variant.
Coding change: c.523T>C on transcript NM_000203.5 (MANE Select); coding-DNA position 523, T replaced by C.
Protein change: p.Trp175Arg; replaces tryptophan 175 with arginine.
Molecular consequence: missense variant. On other transcripts: non-coding transcript variant (1).
Genome position (GRCh38, 1-based): chr4:1,001,497, T>C. VCF-style: chr4-1001497-T-C. GRCh37 (hg19) VCF-style: chr4-995285-T-C.
Other names: c.127T>C, p.Trp43Arg (NM_001363576.1); short protein forms W175R, W43R.
Identifiers: ClinVar variation 226412 (VCV000226412.11), dbSNP rs875989946, ClinGen allele CA10576337.